The following is an entry in ClinVar:

NM_025114.4(CEP290):c.6218T>C (p.Ile2073Thr)

Gene: CEP290 (centrosomal protein 290; minus strand). Cytogenetic location: 12q21.32.
Variant type: single nucleotide variant.
Coding change: c.6218T>C on transcript NM_025114.4 (MANE Select); coding-DNA position 6218, T replaced by C.
Protein change: p.Ile2073Thr; replaces isoleucine 2073 with threonine.
Molecular consequence: missense variant.
Genome position (GRCh38, 1-based): chr12:88,064,033, A>G on the plus strand (T>C on the coding strand, the complement: CEP290 is on the minus strand). VCF-style: chr12-88064033-A-G. GRCh37 (hg19) VCF-style: chr12-88457810-A-G.
Other names: short protein forms I2073T.
Identifiers: ClinVar variation 965941 (VCV000965941.10), dbSNP rs2034695558, ClinGen allele CA385979676.

ClinVar aggregate classification (germline): Uncertain significance. Review status: criteria provided, multiple submitters, no conflicts (2 of 4 stars). 5 submissions from 5 submitters: Uncertain significance (3). 2 of the submissions do not count toward it. Last evaluated 2024-10-14.

Conditions:
Meckel-Gruber syndrome. Also called: DYSENCEPHALIA SPLANCHNOCYSTICA; GRUBER SYNDROME; Dysencephalia splachnocystica. Identifiers: Orphanet 564, MedGen C0265215, MONDO:0018921.
Joubert syndrome. Also called: Familial aplasia of the vermis; JOUBERT-BOLTSHAUSER SYNDROME. Identifiers: Orphanet 475, MedGen C5979921, MONDO:0018772.
Nephronophthisis. Also called: Juvenile Nephronophthisis. Identifiers: Orphanet 655, MedGen C0687120, MONDO:0019005, HP:0000090.
CEP290-related disorder. Also called: CEP290-related condition; CEP290-related disorders. Identifiers: MedGen CN239314.
Leber congenital amaurosis (LCA). Also called: Leber's amaurosis. Identifiers: Orphanet 65, MedGen C0339527, MeSH D057130, MONDO:0018998.
Meckel syndrome, type 4 (MKS4). Also called: MECKEL-GRUBER SYNDROME, TYPE 4. Identifiers: Orphanet 564, MedGen C1970161, MONDO:0012626, OMIM 611134.
Senior-Loken syndrome 6 (SLSN6). Identifiers: Orphanet 3156, MedGen C1857779, MONDO:0012433, OMIM 610189.
Bardet-Biedl syndrome 14 (BBS14). Identifiers: Orphanet 110, MedGen C2673874, MONDO:0014442, OMIM 615991.
Joubert syndrome 5 (JBTS5). Identifiers: Orphanet 2318, MedGen C1857780, MONDO:0012432, OMIM 610188.
Leber congenital amaurosis 10 (LCA10). Identifiers: Orphanet 65, MedGen C1857821, MONDO:0012723, OMIM 611755.

Allele frequency attached by ClinVar (database versions not stated): TOPMed 0.00001; gnomAD exomes 0.00002.
gnomAD v4.1: 34 of 1,597,270 alleles (0.0021%); highest among the groups gnomAD compares: Non-Finnish European, 0.0027%; no homozygotes.

Submissions (5):

Blueprint Genetics
Classification: Uncertain significance. Last evaluated: 2024-10-14. Review status: criteria provided, single submitter. Criteria: ACMG Guidelines, 2015. Collection method: clinical testing. Allele origin: germline.

Labcorp Genetics (formerly Invitae), Labcorp
Classification: Uncertain significance for Joubert syndrome; Meckel-Gruber syndrome; Nephronophthisis. Last evaluated: 2022-08-19. Review status: criteria provided, single submitter. Criteria: Invitae Variant Classification Sherloc (09022015). Collection method: clinical testing. Allele origin: germline.
Comment: This sequence change replaces isoleucine, which is neutral and non-polar, with threonine, which is neutral and polar, at codon 2073 of the CEP290 protein (p.Ile2073Thr). This variant is not present in population databases (gnomAD no frequency). This variant has not been reported in the literature in individuals affected with CEP290-related conditions. ClinVar contains an entry for this variant (Variation ID: 965941). Algorithms developed to predict the effect of missense changes on protein structure and function are either unavailable or do not agree on the potential impact of this missense change (SIFT: "Deleterious"; PolyPhen-2: "Benign"; Align-GVGD: "Class C25"). In summary, the available evidence is currently insufficient to determine the role of this variant in disease. Therefore, it has been classified as a Variant of Uncertain Significance.

Fulgent Genetics
Classification: Uncertain significance for Joubert syndrome 5; Senior-Loken syndrome 6; Meckel syndrome, type 4; Leber congenital amaurosis 10; Bardet-Biedl syndrome 14. Last evaluated: 2021-11-29. Review status: criteria provided, single submitter. Criteria: ACMG Guidelines, 2015. Collection method: clinical testing. Allele origin: unknown.

PreventionGenetics, part of Exact Sciences
Classification: Uncertain significance for CEP290-related condition. Last evaluated: 2024-05-08. Review status: no assertion criteria provided. Collection method: clinical testing. Allele origin: germline. Not counted in ClinVar's aggregate classification.
Comment: The CEP290 c.6218T>C variant is predicted to result in the amino acid substitution p.Ile2073Thr. To our knowledge, this variant has not been reported in the literature or in a large population database, indicating this variant is rare. At this time, the clinical significance of this variant is uncertain due to the absence of conclusive functional and genetic evidence.

Natera, Inc.
Classification: Uncertain significance for Leber congenital amaurosis. Last evaluated: 2020-08-10. Review status: no assertion criteria provided. Collection method: clinical testing. Allele origin: germline. Not counted in ClinVar's aggregate classification.